The following is an entry in ClinVar:

NM_002291.3(LAMB1):c.1144_1152del (p.Tyr382_His384del)

Gene: LAMB1 (laminin subunit beta 1; minus strand). Cytogenetic location: 7q31.1.
Variant type: Deletion.
Coding change: c.1144_1152del on transcript NM_002291.3 (MANE Select); coding-DNA positions 1144 to 1152, 9 bases deleted (TACCAGCAC; older notation c.1144_1152delTACCAGCAC).
Protein change: p.Tyr382_His384del.
Genome position (GRCh38, 1-based): chr7:107,975,726-107,975,734, GTGCTGGTA deleted on the plus strand (TACCAGCAC on the coding strand, the reverse complement: LAMB1 is on the minus strand); deleting any 9 consecutive bases within chr7:107,975,726-107,975,736 gives the same sequence; the c. name uses the placement nearest the transcript's 3' end. VCF-style (leftmost placement, unchanged base first): chr7-107975725-GGTGCTGGTA-G. GRCh37 (hg19) VCF-style: chr7-107616170-GGTGCTGGTA-G.
Identifiers: ClinVar variation 3658808 (VCV003658808.2).

ClinVar aggregate classification (germline): Uncertain significance (1 of 4 stars; one submission).

Submission:

Labcorp Genetics (formerly Invitae), Labcorp
Classification: Uncertain significance. Last evaluated: 2025-08-11. Review status: criteria provided, single submitter. Criteria: Invitae Variant Classification Sherloc (09022015). Collection method: clinical testing. Allele origin: germline.
Comment: This variant, c.1144_1152del, results in the deletion of 3 amino acid(s) of the LAMB1 protein (p.Tyr382_His384del), but otherwise preserves the integrity of the reading frame. This variant is not present in population databases (gnomAD no frequency). This variant has not been reported in the literature in individuals affected with LAMB1-related conditions. ClinVar contains an entry for this variant (Variation ID: 3658808). Experimental studies and prediction algorithms are not available or were not evaluated, and the functional significance of this variant is currently unknown. In summary, the available evidence is currently insufficient to determine the role of this variant in disease. Therefore, it has been classified as a Variant of Uncertain Significance.